The following is an entry in ClinVar:

ClinVar aggregate classification (germline): Uncertain significance (1 of 4 stars; one submission).

Conditions:
Nephronophthisis. Also called: Juvenile Nephronophthisis. Identifiers: Orphanet 655, MedGen C0687120, MONDO:0019005, HP:0000090.

Allele frequency attached by ClinVar (database versions not stated): gnomAD 0.00001; TOPMed 0.00001; ExAC 0.00002.
gnomAD v4.1: 4 of 1,614,056 alleles (0.00025%); highest among the groups gnomAD compares: Admixed American, 0.0067%; no homozygotes.

Submission:

Labcorp Genetics (formerly Invitae), Labcorp
Classification: Uncertain significance for Nephronophthisis. Last evaluated: 2022-08-15. Review status: criteria provided, single submitter. Criteria: Invitae Variant Classification Sherloc (09022015). Collection method: clinical testing. Allele origin: germline.
Comment: In summary, the available evidence is currently insufficient to determine the role of this variant in disease. Therefore, it has been classified as a Variant of Uncertain Significance. Algorithms developed to predict the effect of sequence changes on RNA splicing suggest that this variant may disrupt the consensus splice site. Algorithms developed to predict the effect of missense changes on protein structure and function are either unavailable or do not agree on the potential impact of this missense change (SIFT: "Deleterious"; PolyPhen-2: "Benign"; Align-GVGD: "Class C0"). This variant has not been reported in the literature in individuals affected with INVS-related conditions. This variant is present in population databases (rs776788562, gnomAD 0.01%). This sequence change replaces alanine, which is neutral and non-polar, with glycine, which is neutral and non-polar, at codon 701 of the INVS protein (p.Ala701Gly).

NM_014425.5(INVS):c.2102C>G (p.Ala701Gly)

Gene: INVS (inversin; plus strand). Cytogenetic location: 9q31.1.
Variant type: single nucleotide variant.
Coding change: c.2102C>G on transcript NM_014425.5 (MANE Select); coding-DNA position 2102, C replaced by G.
Protein change: p.Ala701Gly; replaces alanine 701 with glycine.
Molecular consequence: missense variant.
Genome position (GRCh38, 1-based): chr9:100,292,359, C>G. VCF-style: chr9-100292359-C-G. GRCh37 (hg19) VCF-style: chr9-103054641-C-G.
Other names: c.1814C>G, p.Ala605Gly (NM_001318381.2); c.1124C>G, p.Ala375Gly (NM_001318382.2); short protein forms A701G, A605G, A375G.
Identifiers: ClinVar variation 2149125 (VCV002149125.4), dbSNP rs776788562, ClinGen allele CA5158565.